The following is an entry in ClinVar:

ClinVar aggregate classification (germline): Likely benign (0 of 4 stars; one submission).

Conditions:
CACNA1C-related disorder. Also called: CACNA1C-related condition; CACNA1C-related disorders. Identifiers: MedGen CN381092, MONDO:0700321.

Allele frequency attached by ClinVar (database versions not stated): gnomAD exomes below 0.00001.
gnomAD v4.1: 1 of 1,538,760 alleles (0.000065%); highest among the groups gnomAD compares: Non-Finnish European, 0.000088%; no homozygotes.

Submission:

PreventionGenetics, part of Exact Sciences
Classification: Likely benign for CACNA1C-related condition. Last evaluated: 2022-05-06. Review status: no assertion criteria provided. Collection method: clinical testing. Allele origin: germline.
Comment: This variant is classified as likely benign based on ACMG/AMP sequence variant interpretation guidelines (Richards et al. 2015 PMID: 25741868, with internal and published modifications).

NM_000719.7(CACNA1C):c.4727-50C>T

Gene: CACNA1C (calcium voltage-gated channel subunit alpha1 C; plus strand). Cytogenetic location: 12p13.33.
Variant type: single nucleotide variant.
Coding change: c.4727-50C>T on transcript NM_000719.7 (MANE Select); 50 bases into the intron before coding-DNA position 4727, C replaced by T.
Molecular consequence: intron variant. On other transcripts: synonymous variant (7).
Genome position (GRCh38, 1-based): chr12:2,674,491, C>T. VCF-style: chr12-2674491-C-T. GRCh37 (hg19) VCF-style: chr12-2783657-C-T.
Other names: c.4800C>T, p.Pro1600= (NM_001129829.2); c.4734C>T, p.Pro1578= (NM_001129833.2, NM_001129834.2, NM_001129835.2); c.4701C>T, p.Pro1567= (NM_001129837.2, NM_001129838.2); c.4695C>T, p.Pro1565= (NM_001129839.2); c.4727-50C>T (NM_001167624.3, NM_001167623.2, NM_001129840.2 and 4 more transcripts); c.4694-50C>T (NM_001167625.2, NM_001129846.2); c.4871-50C>T (NM_199460.4, NM_001129827.2); c.4787-50C>T (NM_001129832.2); and 3 more.
Identifiers: ClinVar variation 3054576 (VCV003054576.2), dbSNP rs2531419330, ClinGen allele CA2617076041.
Genomic context (GRCh38, chr12:2,674,491, plus strand): 5'-GTCAGGGTTGCGTGGGGCAGATGCCACCATCTGTGGCTTCCTACCTTACGCAGAGGGACC[C>T]AGCCCATCAGAGGCCCACCAAGGGGCTGAGGATCCTTTCCGCCCTGCAGGGAACCTAGAA-3'